The following is an entry in ClinVar:

NM_001375405.1(CEP120):c.1517C>G (p.Pro506Arg)

Gene: CEP120 (centrosomal protein 120; minus strand). Cytogenetic location: 5q23.2.
Variant type: single nucleotide variant.
Coding change: c.1517C>G on transcript NM_001375405.1 (MANE Select); coding-DNA position 1517, C replaced by G.
Protein change: p.Pro506Arg; replaces proline 506 with arginine.
Molecular consequence: missense variant. On other transcripts: non-coding transcript variant (1).
Genome position (GRCh38, 1-based): chr5:123,386,581, G>C on the plus strand (C>G on the coding strand, the complement: CEP120 is on the minus strand). VCF-style: chr5-123386581-G-C. GRCh37 (hg19) VCF-style: chr5-122722275-G-C.
Other names: c.1439C>G, p.Pro480Arg (NM_001166226.2); c.1382C>G, p.Pro461Arg (NM_001375406.1); c.1517C>G, p.Pro506Arg (NM_001375407.1, NM_153223.4); c.944C>G, p.Pro315Arg (NM_001375408.1, NM_001375409.1); short protein forms P315R, P461R, P480R, P506R.
Identifiers: ClinVar variation 3368573 (VCV003368573.1).
Genomic context (GRCh38, chr5:123,386,581, plus strand): 5'-AAGAAGGTGTCTTGCAGCTGATGAGGCATAGTTGCAAAATCAAATGCACAGTAAGACTGG[G>C]GAAGAAAAACTTCCATGTTTTTCCGAACTTCTACAGGAGGATTAGTCATAATAGGAGCTG-3'
Protein context (NP_001362334.1, residues 496-516): EVRKNMEVFL[Pro506Arg]QSYCAFDFAT

ClinVar aggregate classification (germline): Uncertain significance (1 of 4 stars; one submission).

Submission:

GeneDx
Classification: Uncertain significance. Last evaluated: 2024-02-06. Review status: criteria provided, single submitter. Criteria: GeneDx Variant Classification Process June 2021. Collection method: clinical testing. Allele origin: germline. Affected: yes.
Comment: Not observed at significant frequency in large population cohorts (gnomAD); In silico analysis supports that this missense variant has a deleterious effect on protein structure/function; Has not been previously published as pathogenic or benign to our knowledge